The following is an entry in ClinVar:

ClinVar aggregate classification (germline): Uncertain significance (1 of 4 stars; one submission).

Conditions:
Familial acute necrotizing encephalopathy (IIAE3). Also called: ENCEPHALOPATHY, ACUTE, INFECTION-INDUCED, SUSCEPTIBILITY TO, 3; Susceptibility to Acute Necrotizing Encephalopathy 1. Identifiers: Orphanet 88619, MedGen C2675556, MONDO:0011953, OMIM 608033.

gnomAD v4.1: 3 of 1,459,866 alleles (0.00021%); highest among the groups gnomAD compares: Non-Finnish European, 0.00028%; no homozygotes.

Submission:

Labcorp Genetics (formerly Invitae), Labcorp
Classification: Uncertain significance for Familial acute necrotizing encephalopathy. Last evaluated: 2024-11-10. Review status: criteria provided, single submitter. Criteria: Invitae Variant Classification Sherloc (09022015). Collection method: clinical testing. Allele origin: germline.
Comment: This sequence change replaces isoleucine, which is neutral and non-polar, with valine, which is neutral and non-polar, at codon 1627 of the RANBP2 protein (p.Ile1627Val). This variant is not present in population databases (gnomAD no frequency). This variant has not been reported in the literature in individuals affected with RANBP2-related conditions. An algorithm developed to predict the effect of missense changes on protein structure and function outputs the following: PolyPhen-2: "Benign". The valine amino acid residue is found in multiple mammalian species, which suggests that this missense change does not adversely affect protein function. In summary, the available evidence is currently insufficient to determine the role of this variant in disease. Therefore, it has been classified as a Variant of Uncertain Significance.

NM_006267.5(RANBP2):c.4879A>G (p.Ile1627Val)

Gene: RANBP2 (RAN binding protein 2; plus strand). Cytogenetic location: 2q13.
Variant type: single nucleotide variant.
Coding change: c.4879A>G on transcript NM_006267.5 (MANE Select); coding-DNA position 4879, A replaced by G.
Protein change: p.Ile1627Val; replaces isoleucine 1627 with valine.
Molecular consequence: missense variant.
Genome position (GRCh38, 1-based): chr2:108,765,418, A>G. VCF-style: chr2-108765418-A-G. GRCh37 (hg19) VCF-style: chr2-109381874-A-G.
Other names: c.4879A>G, p.Ile1627Val (NM_001415871.1, NM_001415873.1); c.4876A>G, p.Ile1626Val (NM_001415872.1); short protein forms I1627V, I1626V.
Identifiers: ClinVar variation 3713144 (VCV003713144.2).
Genomic context (GRCh38, chr2:108,765,418, plus strand): 5'-GAGGGACAGTGGGATTGCAGTGTGTGCTTAGTAAGAAATGAAGCCAGTGCTACCAAATGT[A>G]TTGCTTGTCAGAATCCAGGTAAACAAAATCAAACTACTTCTGCAGTTTCAACACCTGCCT-3'
Protein context (NP_006258.3, residues 1617-1637): VRNEASATKC[Ile1627Val]ACQNPGKQNQ